The following is an entry in ClinVar:

ClinVar aggregate classification (germline): Uncertain significance (1 of 4 stars; one submission).

Conditions:
Megaconial type congenital muscular dystrophy (MDCMC). Also called: CHKB-Related Muscle Diseases; CHKB-Related Muscular Dystrophy; MUSCULAR DYSTROPHY, CONGENITAL, WITH MITOCHONDRIAL STRUCTURAL ABNORMALITIES. Identifiers: Orphanet 280671, MedGen C1865233, MONDO:0011246, OMIM 602541.

Allele frequency attached by ClinVar (database versions not stated): gnomAD exomes 0.00001.

Submission:

Labcorp Genetics (formerly Invitae), Labcorp
Classification: Uncertain significance for Megaconial type congenital muscular dystrophy. Last evaluated: 2022-04-11. Review status: criteria provided, single submitter. Criteria: Invitae Variant Classification Sherloc (09022015). Collection method: clinical testing. Allele origin: germline.
Comment: In summary, the available evidence is currently insufficient to determine the role of this variant in disease. Therefore, it has been classified as a Variant of Uncertain Significance. Algorithms developed to predict the effect of missense changes on protein structure and function (SIFT, PolyPhen-2, Align-GVGD) all suggest that this variant is likely to be tolerated. This variant has not been reported in the literature in individuals affected with CHKB-related conditions. The frequency data for this variant in the population databases is considered unreliable, as metrics indicate poor data quality at this position in the gnomAD database. This sequence change replaces arginine, which is basic and polar, with glutamine, which is neutral and polar, at codon 54 of the CHKB protein (p.Arg54Gln).

NM_005198.5(CHKB):c.161G>A (p.Arg54Gln)

Genes: CHKB (choline kinase beta; minus strand), CHKB-CPT1B (CHKB-CPT1B readthrough (NMD candidate); minus strand). Cytogenetic location: 22q13.33.
Variant type: single nucleotide variant.
Coding change: c.161G>A on transcript NM_005198.5 (MANE Select); coding-DNA position 161, G replaced by A.
Protein change: p.Arg54Gln; replaces arginine 54 with glutamine.
Molecular consequence: missense variant. On other transcripts: non-coding transcript variant (1).
Genome position (GRCh38, 1-based): chr22:50,582,621, C>T on the plus strand (G>A on the coding strand, the complement: CHKB is on the minus strand). VCF-style: chr22-50582621-C-T. GRCh37 (hg19) VCF-style: chr22-51021050-C-T.
Other names: short protein forms R54Q.
Identifiers: ClinVar variation 1946900 (VCV001946900.5), dbSNP rs1347473103, ClinGen allele CA412203300.